The following is an entry in ClinVar:

ClinVar aggregate classification (germline): Uncertain significance (1 of 4 stars; one submission).

Submission:

Labcorp Genetics (formerly Invitae), Labcorp
Classification: Uncertain significance. Last evaluated: 2024-02-20. Review status: criteria provided, single submitter. Criteria: Invitae Variant Classification Sherloc (09022015). Collection method: clinical testing. Allele origin: germline.
Comment: This sequence change replaces alanine, which is neutral and non-polar, with aspartic acid, which is acidic and polar, at codon 95 of the CARD8 protein (p.Ala95Asp). This variant is not present in population databases (gnomAD no frequency). This variant has not been reported in the literature in individuals affected with CARD8-related conditions. An algorithm developed to predict the effect of missense changes on protein structure and function (PolyPhen-2) suggests that this variant is likely to be disruptive. In summary, the available evidence is currently insufficient to determine the role of this variant in disease. Therefore, it has been classified as a Variant of Uncertain Significance.

NM_001184900.3(CARD8):c.434C>A (p.Ala145Asp)

Gene: CARD8 (caspase recruitment domain family member 8; minus strand). Cytogenetic location: 19q13.33.
Variant type: single nucleotide variant.
Coding change: c.434C>A on transcript NM_001184900.3 (MANE Select); coding-DNA position 434, C replaced by A.
Protein change: p.Ala145Asp; replaces alanine 145 with aspartic acid.
Molecular consequence: missense variant. On other transcripts: non-coding transcript variant (4).
Genome position (GRCh38, 1-based): chr19:48,231,768, G>T on the plus strand (C>A on the coding strand, the complement: CARD8 is on the minus strand). VCF-style: chr19-48231768-G-T. GRCh37 (hg19) VCF-style: chr19-48735025-G-T.
Other names: c.284C>A, p.Ala95Asp (NM_001351789.2, NM_014959.5, NM_001184901.1 and 2 more transcripts); c.191C>A, p.Ala64Asp (NM_001351790.2); c.119C>A, p.Ala40Asp (NM_001351791.2, NM_001351792.2, NM_001365950.1 and 2 more transcripts); c.434C>A, p.Ala145Asp (NM_001184902.2, NM_001184903.1, NM_001351782.2); c.98C>A, p.Ala33Asp (NM_001351786.2); short protein forms A145D, A33D, A40D, A95D, A64D.
Identifiers: ClinVar variation 3642291 (VCV003642291.2).